The following is an entry in ClinVar:

NM_001378030.1(CCDC78):c.356C>G (p.Pro119Arg)

Gene: CCDC78 (coiled-coil domain containing 78; minus strand). Cytogenetic location: 16p13.3.
Variant type: single nucleotide variant.
Coding change: c.356C>G on transcript NM_001378030.1 (MANE Select); coding-DNA position 356, C replaced by G.
Protein change: p.Pro119Arg; replaces proline 119 with arginine.
Molecular consequence: missense variant. On other transcripts: non-coding transcript variant (5), intron variant (1).
Genome position (GRCh38, 1-based): chr16:725,492, G>C on the plus strand (C>G on the coding strand, the complement: CCDC78 is on the minus strand). VCF-style: chr16-725492-G-C. GRCh37 (hg19) VCF-style: chr16-775492-G-C.
Other names: c.356C>G, p.Pro119Arg (NM_001031737.3, NM_001378031.1); c.-18-199C>G (NM_001378033.1); short protein forms P119R.
Identifiers: ClinVar variation 473256 (VCV000473256.8), dbSNP rs750379614, ClinGen allele CA394103690.

ClinVar aggregate classification (germline): Uncertain significance (1 of 4 stars; one submission).

Conditions:
Congenital myopathy with internal nuclei and atypical cores. Also called: Myopathy, centronuclear, 4. Identifiers: Orphanet 319160, MedGen C4707232, MONDO:0013890, OMIM 614807.

Submission:

Labcorp Genetics (formerly Invitae), Labcorp
Classification: Uncertain significance for Congenital myopathy with internal nuclei and atypical cores. Last evaluated: 2025-03-20. Review status: criteria provided, single submitter. Criteria: Invitae Variant Classification Sherloc (09022015). Collection method: clinical testing. Allele origin: germline.
Comment: This sequence change replaces proline, which is neutral and non-polar, with arginine, which is basic and polar, at codon 119 of the CCDC78 protein (p.Pro119Arg). This variant is not present in population databases (gnomAD no frequency). This variant has not been reported in the literature in individuals affected with CCDC78-related conditions. ClinVar contains an entry for this variant (Variation ID: 473256). Invitae Evidence Modeling of protein sequence and biophysical properties (such as structural, functional, and spatial information, amino acid conservation, physicochemical variation, residue mobility, and thermodynamic stability) indicates that this missense variant is not expected to disrupt CCDC78 protein function with a negative predictive value of 80%. In summary, the available evidence is currently insufficient to determine the role of this variant in disease. Therefore, it has been classified as a Variant of Uncertain Significance.